The following is an entry in ClinVar:

NM_016292.3(TRAP1):c.1799C>T (p.Thr600Ile)

Genes: DNASE1 (deoxyribonuclease 1; plus strand), TRAP1 (TNF receptor associated protein 1; minus strand). Cytogenetic location: 16p13.3.
Variant type: single nucleotide variant.
Coding change: c.1799C>T on transcript NM_016292.3 (MANE Select); coding-DNA position 1799, C replaced by T.
Protein change: p.Thr600Ile; replaces threonine 600 with isoleucine.
Molecular consequence: missense variant. On other transcripts: intron variant (1).
Genome position (GRCh38, 1-based): chr16:3,662,128, G>A on the plus strand (C>T on the coding strand, the complement: TRAP1 is on the minus strand). VCF-style: chr16-3662128-G-A. GRCh37 (hg19) VCF-style: chr16-3712129-G-A.
Other names: c.1640C>T, p.Thr547Ile (NM_001272049.2); c.*22-518G>A (NM_001387140.1); short protein forms T600I, T547I.
Identifiers: ClinVar variation 2900753 (VCV002900753.3), dbSNP rs140622851, ClinGen allele CA7867805.

ClinVar aggregate classification (germline): Uncertain significance (1 of 4 stars; one submission).

Allele frequency attached by ClinVar (database versions not stated): gnomAD 0.00005; TOPMed 0.00006; ExAC 0.00010; ESP Exome Variant Server 0.00015; gnomAD exomes 0.00010.
gnomAD v4.1: 152 of 1,611,670 alleles (0.0094%); highest among the groups gnomAD compares: East Asian, 0.098%; no homozygotes.

Submission:

Labcorp Genetics (formerly Invitae), Labcorp
Classification: Uncertain significance. Last evaluated: 2024-08-13. Review status: criteria provided, single submitter. Criteria: Invitae Variant Classification Sherloc (09022015). Collection method: clinical testing. Allele origin: germline.
Comment: This sequence change replaces threonine, which is neutral and polar, with isoleucine, which is neutral and non-polar, at codon 600 of the TRAP1 protein (p.Thr600Ile). This variant is present in population databases (rs140622851, gnomAD 0.07%), and has an allele count higher than expected for a pathogenic variant. This variant has not been reported in the literature in individuals affected with TRAP1-related conditions. Advanced modeling of protein sequence and biophysical properties (such as structural, functional, and spatial information, amino acid conservation, physicochemical variation, residue mobility, and thermodynamic stability) performed at Invitae indicates that this missense variant is expected to disrupt TRAP1 protein function with a positive predictive value of 80%. In summary, the available evidence is currently insufficient to determine the role of this variant in disease. Therefore, it has been classified as a Variant of Uncertain Significance.